The following is an entry in ClinVar:

NM_001371904.1(APOA5):c.949C>G (p.Pro317Ala)

Gene: APOA5 (apolipoprotein A5; minus strand). Cytogenetic location: 11q23.3.
Variant type: single nucleotide variant.
Coding change: c.949C>G on transcript NM_001371904.1 (MANE Select); coding-DNA position 949, C replaced by G.
Protein change: p.Pro317Ala; replaces proline 317 with alanine.
Molecular consequence: missense variant.
Genome position (GRCh38, 1-based): chr11:116,790,280, G>C on the plus strand (C>G on the coding strand, the complement: APOA5 is on the minus strand). VCF-style: chr11-116790280-G-C. GRCh37 (hg19) VCF-style: chr11-116660996-G-C.
Other names: c.949C>G, p.Pro317Ala (NM_001166598.2, NM_052968.5); short protein forms P317A.
Identifiers: ClinVar variation 1767137 (VCV001767137.8), dbSNP rs954609291, ClinGen allele CA382734842.
Genomic context (GRCh38, chr11:116,790,280, plus strand): 5'-GAACCTTGCCACTGTCTGTTTGTTGAAACTCTGGGGCGAAGGCACTGTGGCCTGGTGGAG[G>C]TGGCGCCAGCTGCTGCTGGACCTCCTCAGTCTCCTGGTCGATGGCGCGAGTGAAGGCAGC-3'
Protein context (NP_001358833.1, residues 307-327): TEEVQQQLAP[Pro317Ala]PPGHSAFAPE

ClinVar aggregate classification (germline): Uncertain significance. Review status: criteria provided, multiple submitters, no conflicts (2 of 4 stars). 3 submissions from 3 submitters: Uncertain significance (3). Last evaluated 2023-08-19.

Conditions:
Cardiovascular phenotype. Identifiers: MedGen CN230736.

Submissions (3):

Women's Health and Genetics/Laboratory Corporation of America, LabCorp
Classification: Uncertain significance. Last evaluated: 2023-08-19. Review status: criteria provided, single submitter. Criteria: LabCorp Variant Classification Summary - May 2015. Collection method: clinical testing. Allele origin: germline.

Labcorp Genetics (formerly Invitae), Labcorp
Classification: Uncertain significance. Last evaluated: 2022-03-05. Review status: criteria provided, single submitter. Criteria: Invitae Variant Classification Sherloc (09022015). Collection method: clinical testing. Allele origin: germline.
Comment: In summary, the available evidence is currently insufficient to determine the role of this variant in disease. Therefore, it has been classified as a Variant of Uncertain Significance. Algorithms developed to predict the effect of missense changes on protein structure and function are either unavailable or do not agree on the potential impact of this missense change (SIFT: "Deleterious"; PolyPhen-2: "Benign"; Align-GVGD: "Class C0"). This variant has not been reported in the literature in individuals affected with APOA5-related conditions. This variant is present in population databases (no rsID available, gnomAD 0.003%). This sequence change replaces proline, which is neutral and non-polar, with alanine, which is neutral and non-polar, at codon 317 of the APOA5 protein (p.Pro317Ala).

Ambry Genetics
Classification: Uncertain significance for Cardiovascular phenotype. Last evaluated: 2022-01-19. Review status: criteria provided, single submitter. Criteria: Ambry Variant Classification Scheme 2023. Collection method: clinical testing. Allele origin: germline.
Comment: The p.P317A variant (also known as c.949C>G), located in coding exon 3 of the APOA5 gene, results from a C to G substitution at nucleotide position 949. The proline at codon 317 is replaced by alanine, an amino acid with highly similar properties. This amino acid position is conserved. In addition, this alteration is predicted to be tolerated by in silico analysis. Since supporting evidence is limited at this time, the clinical significance of this alteration remains unclear.